The following is an entry in ClinVar:

NM_022356.4(P3H1):c.1226C>G (p.Ser409Ter)

Gene: P3H1 (prolyl 3-hydroxylase 1; minus strand). Cytogenetic location: 1p34.2.
Variant type: single nucleotide variant.
Coding change: c.1226C>G on transcript NM_022356.4 (MANE Select); coding-DNA position 1226, C replaced by G.
Protein change: p.Ser409Ter; replaces serine 409 with a stop codon.
Molecular consequence: nonsense.
Genome position (GRCh38, 1-based): chr1:42,754,988, G>C on the plus strand (C>G on the coding strand, the complement: P3H1 is on the minus strand). VCF-style: chr1-42754988-G-C. GRCh37 (hg19) VCF-style: chr1-43220659-G-C.
Other names: c.1226C>G, p.Ser409Ter (NM_001146289.2, NM_001243246.2); short protein forms S409*.
Identifiers: ClinVar variation 860818 (VCV000860818.7), dbSNP rs1652311421, ClinGen allele CA339957920.

ClinVar aggregate classification (germline): Pathogenic (1 of 4 stars; one submission).

Conditions:
Osteogenesis imperfecta type 8 (OI8). Identifiers: MedGen C1970458, MONDO:0012581, OMIM 610915.

Submission:

Labcorp Genetics (formerly Invitae), Labcorp
Classification: Pathogenic for Osteogenesis imperfecta type 8. Last evaluated: 2023-02-15. Review status: criteria provided, single submitter. Criteria: Invitae Variant Classification Sherloc (09022015). Collection method: clinical testing. Allele origin: germline.
Comment: This variant is not present in population databases (gnomAD no frequency). This sequence change creates a premature translational stop signal (p.Ser409*) in the P3H1 gene. It is expected to result in an absent or disrupted protein product. Loss-of-function variants in P3H1 are known to be pathogenic (PMID: 17277775, 18566967, 19088120, 22281939). This variant has not been reported in the literature in individuals affected with P3H1-related conditions. ClinVar contains an entry for this variant (Variation ID: 860818). For these reasons, this variant has been classified as Pathogenic.

Literature cited by the submitters: PubMed 17277775; PubMed 18566967; PubMed 19088120; PubMed 22281939.